The following is an entry in ClinVar:

ClinVar aggregate classification (germline): Uncertain significance (1 of 4 stars; one submission).

Conditions:
Hereditary cancer-predisposing syndrome. Also called: Neoplastic Syndromes, Hereditary; Tumor predisposition; Hereditary neoplastic syndrome; Hereditary Cancer Syndrome. Identifiers: Orphanet 140162, MedGen C0027672, MeSH D009386, MONDO:0015356.

Submission:

Ambry Genetics
Classification: Uncertain significance for Hereditary cancer-predisposing syndrome. Last evaluated: 2024-05-14. Review status: criteria provided, single submitter. Criteria: Ambry Variant Classification Scheme 2023. Collection method: clinical testing. Allele origin: germline.
Comment: The p.F1221L variant (also known as c.3663C>G), located in coding exon 24 of the RAD50 gene, results from a C to G substitution at nucleotide position 3663. The phenylalanine at codon 1221 is replaced by leucine, an amino acid with highly similar properties. This amino acid position is conserved. In addition, this alteration is predicted to be tolerated by in silico analysis. Based on the available evidence, the clinical significance of this variant remains unclear.

NM_005732.4(RAD50):c.3663C>G (p.Phe1221Leu)

Genes: RAD50 (RAD50 double strand break repair protein; plus strand), TH2-LCR (Th2 cytokine locus control region; plus strand), TH2LCRR (T helper type 2 locus control region associated RNA; minus strand). Cytogenetic location: 5q31.1.
Variant type: single nucleotide variant.
Coding change: c.3663C>G on transcript NM_005732.4 (MANE Select); coding-DNA position 3663, C replaced by G.
Protein change: p.Phe1221Leu; replaces phenylalanine 1221 with leucine.
Molecular consequence: missense variant.
Genome position (GRCh38, 1-based): chr5:132,640,716, C>G. VCF-style: chr5-132640716-C-G. GRCh37 (hg19) VCF-style: chr5-131976408-C-G.
Other names: short protein forms F1221L.
Identifiers: ClinVar variation 3312328 (VCV003312328.1).